The following is an entry in ClinVar:

ClinVar aggregate classification (germline): Uncertain significance. Review status: criteria provided, multiple submitters, no conflicts (2 of 4 stars). 2 submissions from 2 submitters: Uncertain significance (2). Last evaluated 2025-10-29.

Conditions:
Hyperprolinemia type 2 (HYRPRO2). Also called: Delta-1-pyrroline-5-carboxylate dehydrogenase deficiency; 1-PYRROLINE-5-CARBOXYLATE DEHYDROGENASE DEFICIENCY; Deficiency of pyrroline-5-carboxylate reductase. Identifiers: Orphanet 79101, MedGen C2931835, MONDO:0009401, OMIM 239510.

Allele frequency attached by ClinVar (database versions not stated): gnomAD exomes 0.00002; TOPMed 0.00002; gnomAD 0.00003; ExAC 0.00004.

Submissions (2):

Ambry Genetics
Classification: Uncertain significance. Last evaluated: 2025-10-29. Review status: criteria provided, single submitter. Criteria: Ambry Variant Classification Scheme 2023. Collection method: clinical testing. Allele origin: germline.

Labcorp Genetics (formerly Invitae), Labcorp
Classification: Uncertain significance for Hyperprolinemia type 2. Last evaluated: 2024-04-04. Review status: criteria provided, single submitter. Criteria: Invitae Variant Classification Sherloc (09022015). Collection method: clinical testing. Allele origin: germline.
Comment: This sequence change replaces arginine, which is basic and polar, with cysteine, which is neutral and slightly polar, at codon 338 of the ALDH4A1 protein (p.Arg338Cys). This variant is present in population databases (rs762655314, gnomAD 0.01%). This variant has not been reported in the literature in individuals affected with ALDH4A1-related conditions. ClinVar contains an entry for this variant (Variation ID: 2396990). An algorithm developed to predict the effect of missense changes on protein structure and function (PolyPhen-2) suggests that this variant is likely to be disruptive. In summary, the available evidence is currently insufficient to determine the role of this variant in disease. Therefore, it has been classified as a Variant of Uncertain Significance.

NM_003748.4(ALDH4A1):c.1012C>T (p.Arg338Cys)

Gene: ALDH4A1 (aldehyde dehydrogenase 4 family member A1; minus strand). Cytogenetic location: 1p36.13.
Variant type: single nucleotide variant.
Coding change: c.1012C>T on transcript NM_003748.4 (MANE Select); coding-DNA position 1012, C replaced by T.
Protein change: p.Arg338Cys; replaces arginine 338 with cysteine.
Molecular consequence: missense variant.
Genome position (GRCh38, 1-based): chr1:18,877,541, G>A on the plus strand (C>T on the coding strand, the complement: ALDH4A1 is on the minus strand). VCF-style: chr1-18877541-G-A. GRCh37 (hg19) VCF-style: chr1-19204035-G-A.
Other names: c.832C>T, p.Arg278Cys (NM_001161504.2); c.1012C>T, p.Arg338Cys (NM_001319218.2, NM_170726.3); short protein forms R338C, R278C.
Identifiers: ClinVar variation 2396990 (VCV002396990.5), dbSNP rs762655314, ClinGen allele CA647108.